The following is an entry in ClinVar:

ClinVar aggregate classification (germline): Uncertain significance (1 of 4 stars; one submission).

Submission:

Labcorp Genetics (formerly Invitae), Labcorp
Classification: Uncertain significance. Last evaluated: 2022-05-07. Review status: criteria provided, single submitter. Criteria: Invitae Variant Classification Sherloc (09022015). Collection method: clinical testing. Allele origin: germline.
Comment: Advanced modeling of protein sequence and biophysical properties (such as structural, functional, and spatial information, amino acid conservation, physicochemical variation, residue mobility, and thermodynamic stability) performed at Invitae indicates that this missense variant is not expected to disrupt COL11A2 protein function. This variant has not been reported in the literature in individuals affected with COL11A2-related conditions. This variant is not present in population databases (gnomAD no frequency). This sequence change replaces lysine, which is basic and polar, with asparagine, which is neutral and polar, at codon 695 of the COL11A2 protein (p.Lys695Asn). In summary, the available evidence is currently insufficient to determine the role of this variant in disease. Therefore, it has been classified as a Variant of Uncertain Significance.

NM_080680.3(COL11A2):c.2085G>T (p.Lys695Asn)

Gene: COL11A2 (collagen type XI alpha 2 chain; minus strand). Cytogenetic location: 6p21.32.
Variant type: single nucleotide variant.
Coding change: c.2085G>T on transcript NM_080680.3 (MANE Select); coding-DNA position 2085, G replaced by T.
Protein change: p.Lys695Asn; replaces lysine 695 with asparagine.
Molecular consequence: missense variant.
Genome position (GRCh38, 1-based): chr6:33,176,751, C>A on the plus strand (G>T on the coding strand, the complement: COL11A2 is on the minus strand). VCF-style: chr6-33176751-C-A. GRCh37 (hg19) VCF-style: chr6-33144528-C-A.
Other names: c.1764G>T, p.Lys588Asn (NM_080679.3); c.1827G>T, p.Lys609Asn (NM_080681.3); short protein forms K588N, K609N, K695N.
Identifiers: ClinVar variation 1417301 (VCV001417301.8), dbSNP rs368770525, ClinGen allele CA363651000.